The following is an entry in ClinVar:

ClinVar aggregate classification (germline): Benign/Likely benign. Review status: criteria provided, multiple submitters, no conflicts (2 of 4 stars). 9 submissions from 8 submitters: Benign (6); Likely benign (2). 1 of the submissions does not count toward it. Last evaluated 2026-02-04.

Conditions:
Usher syndrome type 1 (USH1). Also called: RETINITIS PIGMENTOSA AND CONGENITAL DEAFNESS. Identifiers: Orphanet 231169, Orphanet 886, MedGen C1568247, MONDO:0010168, OMIM 276900.
Usher syndrome type 1D (USH1D). Also called: USHER SYNDROME, TYPE ID. Identifiers: Orphanet 231169, Orphanet 886, MedGen C1832845, MONDO:0010984, OMIM 601067.
Autosomal recessive nonsyndromic hearing loss 12. Also called: DEAFNESS, AUTOSOMAL RECESSIVE 12. Identifiers: Orphanet 90636, MedGen C1832394, MONDO:0011067, OMIM 601386.

Allele frequency attached by ClinVar (database versions not stated): 1000 Genomes Project 0.01358; 1000 Genomes Project 30x 0.01405; gnomAD 0.01415 and 0.01304; TOPMed 0.01475; ExAC 0.00486; ESP Exome Variant Server 0.01273.
gnomAD v4.1: 5,155 of 1,613,970 alleles (0.32%); highest among the groups gnomAD compares: African/African-American, 4.2%; 82 homozygotes.

Submissions (9):

Labcorp Genetics (formerly Invitae), Labcorp
Classification: Benign. Last evaluated: 2026-02-04. Review status: criteria provided, single submitter. Criteria: Invitae Variant Classification Sherloc (09022015). Collection method: clinical testing. Allele origin: germline.

ARUP Laboratories, Molecular Genetics and Genomics, ARUP Laboratories
Classification: Benign. Last evaluated: 2023-09-22. Review status: criteria provided, single submitter. Criteria: ARUP Molecular Germline Variant Investigation Process 2024. Collection method: clinical testing. Allele origin: germline.

Illumina Laboratory Services, Illumina
Classification: Benign for Usher syndrome type 1D. Last evaluated: 2018-01-12. Review status: criteria provided, single submitter. Criteria: ICSL Variant Classification Criteria 13 December 2019. Collection method: clinical testing. Allele origin: germline.
Comment: This variant was observed in the ICSL laboratory as part of a predisposition screen in an ostensibly healthy population. It had not been previously curated by ICSL or reported in the Human Gene Mutation Database (HGMD: prior to June 1st, 2018), and was therefore a candidate for classification through an automated scoring system. Utilizing variant allele frequency, disease prevalence and penetrance estimates, and inheritance mode, an automated score was calculated to assess if this variant is too frequent to cause the disease. Based on the score and internal cut-off values, a variant classified as benign is not then subjected to further curation. The score for this variant resulted in a classification of benign for this disease.

Illumina Laboratory Services, Illumina
Classification: Likely benign for Autosomal recessive nonsyndromic hearing loss 12. Last evaluated: 2018-01-12. Review status: criteria provided, single submitter. Criteria: ICSL Variant Classification Criteria 13 December 2019. Collection method: clinical testing. Allele origin: germline.
Comment: This variant was observed in the ICSL laboratory as part of a predisposition screen in an ostensibly healthy population. It had not been previously curated by ICSL or reported in the Human Gene Mutation Database (HGMD: prior to June 1st, 2018), and was therefore a candidate for classification through an automated scoring system. Utilizing variant allele frequency, disease prevalence and penetrance estimates, and inheritance mode, an automated score was calculated to assess if this variant is too frequent to cause the disease. Based on the score and internal cut-off values, a variant classified as likely benign is not then subjected to further curation. The score for this variant resulted in a classification of likely benign for this disease.

GeneDx
Classification: Benign. Last evaluated: 2015-03-03. Review status: criteria provided, single submitter. Criteria: GeneDx Variant Classification Process June 2021. Collection method: clinical testing. Allele origin: germline. Affected: yes.

Laboratory for Molecular Medicine, Mass General Brigham Personalized Medicine
Classification: Benign. Last evaluated: 2011-10-05. Review status: criteria provided, single submitter. Criteria: LMM Criteria. Collection method: clinical testing. Allele origin: germline. Observed: 32 variant alleles.
Comment: Gln58Arg in exon 4 of CDH23: This variant is not expected to have clinical signi ficance because this variant is listed in dbSNP with a frequency of 3.9% (21/540 control chromosomes - rs61732490). In addition, this residue is not highly cons erved with most other species having an arginine at this position.

Breakthrough Genomics
Classification: Likely benign. Review status: criteria provided, single submitter. Criteria: ACMG Guidelines, 2015. Collection method: not provided. Allele origin: germline. Inheritance: Autosomal recessive inheritance. Affected: yes.

PreventionGenetics, part of Exact Sciences
Classification: Benign. Review status: criteria provided, single submitter. Criteria: ACMG Guidelines, 2015. Collection method: clinical testing. Allele origin: germline.

Natera, Inc.
Classification: Benign for Usher syndrome type 1. Last evaluated: 2020-09-16. Review status: no assertion criteria provided. Collection method: clinical testing. Allele origin: germline. Not counted in ClinVar's aggregate classification.

NM_022124.6(CDH23):c.173A>G (p.Gln58Arg)

Genes: CDH23 (cadherin related 23; plus strand), CDH23-AS1 (CDH23 antisense RNA 1; minus strand). Cytogenetic location: 10q22.1.
Variant type: single nucleotide variant.
Coding change: c.173A>G on transcript NM_022124.6 (MANE Select); coding-DNA position 173, A replaced by G.
Protein change: p.Gln58Arg; replaces glutamine 58 with arginine.
Molecular consequence: missense variant.
Genome position (GRCh38, 1-based): chr10:71,510,109, A>G. VCF-style: chr10-71510109-A-G. GRCh37 (hg19) VCF-style: chr10-73269866-A-G.
Other names: c.173A>G, p.Gln58Arg (NM_001171930.2, NM_001171931.2, NM_001171932.2 and 1 more transcripts); short protein forms Q58R.
Identifiers: ClinVar variation 45882 (VCV000045882.31), dbSNP rs61732490, ClinGen allele CA137301.